The following is an entry in ClinVar:

ClinVar aggregate classification (germline): Uncertain significance. Review status: criteria provided, multiple submitters, no conflicts (2 of 4 stars). 2 submissions from 2 submitters: Uncertain significance (2). Last evaluated 2026-02-24.

Submissions (2):

GeneDx
Classification: Uncertain significance. Last evaluated: 2026-02-24. Review status: criteria provided, single submitter. Criteria: GeneDx Variant Classification Process June 2021. Collection method: clinical testing. Allele origin: germline.
Comment: Not observed at significant frequency in large population cohorts (gnomAD); In silico analysis suggests that this missense variant does not alter protein structure/function; Has not been previously published as pathogenic or benign to our knowledge

Women's Health and Genetics/Laboratory Corporation of America, LabCorp
Classification: Uncertain significance. Last evaluated: 2024-10-15. Review status: criteria provided, single submitter. Criteria: LabCorp Variant Classification Summary - May 2015. Collection method: clinical testing. Allele origin: germline.
Comment: Variant summary: ZNF711 c.14G>A (p.Gly5Asp) results in a non-conservative amino acid change in the encoded protein sequence. Four of five in-silico tools predict a damaging effect of the variant on protein function. The variant was absent in 180738 control chromosomes. The available data on variant occurrences in the general population are insufficient to allow any conclusion about variant significance. To our knowledge, no occurrence of c.14G>A in individuals affected with X-Linked Intellectual Disability 97 and no experimental evidence demonstrating its impact on protein function have been reported. No submitters have cited clinical-significance assessments for this variant to ClinVar. Based on the evidence outlined above, the variant was classified as uncertain significance.

NM_001330574.2(ZNF711):c.14G>A (p.Gly5Asp)

Gene: ZNF711 (ZFX family zinc finger ZNF711; plus strand). Cytogenetic location: Xq21.1.
Variant type: single nucleotide variant.
Coding change: c.14G>A on transcript NM_001330574.2 (MANE Select); coding-DNA position 14, G replaced by A.
Protein change: p.Gly5Asp; replaces glycine 5 with aspartic acid.
Molecular consequence: missense variant.
Genome position (GRCh38, 1-based): chrX:85,247,586, G>A. VCF-style: chrX-85247586-G-A. GRCh37 (hg19) VCF-style: chrX-84502592-G-A.
Other names: c.14G>A, p.Gly5Asp (NM_001375431.1, NM_001375432.1, NM_001375433.1 and 5 more transcripts); c.14G>A (NM_021998.4); short protein forms G5D.
Identifiers: ClinVar variation 3385289 (VCV003385289.2).